The following is an entry in ClinVar:

ClinVar aggregate classification (germline): Benign/Likely benign. Review status: criteria provided, multiple submitters, no conflicts (2 of 4 stars). 8 submissions from 8 submitters: Benign (2); Likely benign (2). 4 of the submissions do not count toward it. Last evaluated 2026-05-01.

Conditions:
SH2D1A-related disorder. Also called: SH2D1A-related condition.
X-linked lymphoproliferative disease due to SH2D1A deficiency (XLP1). Also called: PURTILO SYNDROME; SH2D1A-Related Lymphoproliferative Disease, X-Linked; EBV infection severe susceptibility to; Epstein Barr virus infection familial fatal; Duncan's syndrome; DUNCAN DISEASE. Identifiers: Orphanet 2442, Orphanet 538931, MedGen C5399825, MONDO:0024551, OMIM 308240.

Allele frequency attached by ClinVar (database versions not stated): 1000 Genomes Project 30x 0.00021; ExAC 0.00021; gnomAD exomes 0.00023 and 0.00051; 1000 Genomes Project 0.00026; gnomAD 0.00031; TOPMed 0.00042; ESP Exome Variant Server 0.00057.
gnomAD v4.1: 579 of 1,196,494 alleles (0.048%); highest among the groups gnomAD compares: Non-Finnish European, 0.064%; no homozygotes.

Submissions (8):

CeGaT Center for Human Genetics Tuebingen
Classification: Likely benign. Last evaluated: 2026-05-01. Review status: criteria provided, single submitter. Criteria: CeGaT Center For Human Genetics Tuebingen Variant Classification Criteria Version 2. Collection method: clinical testing. Allele origin: germline. Affected: yes. Observed: 1 variant allele.
Comment: SH2D1A: BS2

Labcorp Genetics (formerly Invitae), Labcorp
Classification: Benign for X-linked lymphoproliferative disease due to SH2D1A deficiency. Last evaluated: 2026-01-12. Review status: criteria provided, single submitter. Criteria: Invitae Variant Classification Sherloc (09022015). Collection method: clinical testing. Allele origin: germline.

Fulgent Genetics
Classification: Likely benign for X-linked lymphoproliferative disease due to SH2D1A deficiency. Last evaluated: 2022-04-12. Review status: criteria provided, single submitter. Criteria: ACMG Guidelines, 2015. Collection method: clinical testing. Allele origin: unknown.

Illumina Laboratory Services, Illumina
Classification: Benign for X-linked lymphoproliferative disease due to SH2D1A deficiency. Last evaluated: 2018-01-13. Review status: criteria provided, single submitter. Criteria: ICSL Variant Classification Criteria 13 December 2019. Collection method: clinical testing. Allele origin: germline.
Comment: This variant was observed in the ICSL laboratory as part of a predisposition screen in an ostensibly healthy population. It had not been previously curated by ICSL or reported in the Human Gene Mutation Database (HGMD: prior to June 1st, 2018), and was therefore a candidate for classification through an automated scoring system. Utilizing variant allele frequency, disease prevalence and penetrance estimates, and inheritance mode, an automated score was calculated to assess if this variant is too frequent to cause the disease. Based on the score and internal cut-off values, a variant classified as benign is not then subjected to further curation. The score for this variant resulted in a classification of benign for this disease.

PreventionGenetics, part of Exact Sciences
Classification: Likely benign for SH2D1A-related condition. Last evaluated: 2023-08-27. Review status: no assertion criteria provided. Collection method: clinical testing. Allele origin: germline. Not counted in ClinVar's aggregate classification.
Comment: This variant is classified as likely benign based on ACMG/AMP sequence variant interpretation guidelines (Richards et al. 2015 PMID: 25741868, with internal and published modifications).

Clinical Genetics DNA and cytogenetics Diagnostics Lab, Erasmus MC, Erasmus Medical Center
Classification: Likely benign. Review status: no assertion criteria provided. Collection method: clinical testing. Allele origin: germline. Affected: yes. Study: VKGL Data-share Consensus. Not counted in ClinVar's aggregate classification.

Diagnostic Laboratory, Department of Genetics, University Medical Center Groningen
Classification: Likely benign. Review status: no assertion criteria provided. Collection method: clinical testing. Allele origin: germline. Affected: yes. Study: VKGL Data-share Consensus. Not counted in ClinVar's aggregate classification.

Laboratory of Diagnostic Genome Analysis, Leiden University Medical Center (LUMC)
Classification: Likely benign. Review status: no assertion criteria provided. Collection method: clinical testing. Allele origin: germline. Affected: yes. Study: VKGL Data-share Consensus. Not counted in ClinVar's aggregate classification.

NM_002351.5(SH2D1A):c.346+3A>G

Gene: SH2D1A (SH2 domain containing 1A; plus strand). Cytogenetic location: Xq25.
Variant type: single nucleotide variant.
Coding change: c.346+3A>G on transcript NM_002351.5 (MANE Select); 3 bases into the intron after coding-DNA position 346, A replaced by G.
Molecular consequence: intron variant.
Genome position (GRCh38, 1-based): chrX:124,370,323, A>G. VCF-style: chrX-124370323-A-G. GRCh37 (hg19) VCF-style: chrX-123504173-A-G.
Other names: c.337+12A>G (NM_001114937.3).
Identifiers: ClinVar variation 367873 (VCV000367873.25), dbSNP rs199706936, ClinGen allele CA10509290.